The following is an entry in ClinVar:

NM_001277115.2(DNAH11):c.7533T>C (p.Asn2511=)

Gene: DNAH11 (dynein axonemal heavy chain 11; plus strand). Cytogenetic location: 7p15.3.
Variant type: single nucleotide variant.
Coding change: c.7533T>C on transcript NM_001277115.2 (MANE Select); coding-DNA position 7533, T replaced by C.
Protein change: p.Asn2511=; no amino-acid change (asparagine 2511 retained).
Molecular consequence: synonymous variant.
Genome position (GRCh38, 1-based): chr7:21,735,732, T>C. VCF-style: chr7-21735732-T-C. GRCh37 (hg19) VCF-style: chr7-21775350-T-C.
Other names: c.7554T>C, p.Asn2518= (NM_003777.3); c.7533T>C (NM_001277115.1).
Identifiers: ClinVar variation 2072481 (VCV002072481.24), dbSNP rs371044449, ClinGen allele CA4181259.

ClinVar aggregate classification (germline): Benign/Likely benign. Review status: criteria provided, multiple submitters, no conflicts (2 of 4 stars). 3 submissions from 3 submitters: Benign (1); Likely benign (2). Last evaluated 2025-11-18.

Conditions:
DNAH11-related disorder. Also called: DNAH11-related condition.
Primary ciliary dyskinesia. Also called: Ciliary dyskinesia. Identifiers: Orphanet 244, MedGen C0008780, MONDO:0016575, HP:0012265.

Allele frequency attached by ClinVar (database versions not stated): ExAC 0.00001; TOPMed 0.00002; gnomAD 0.00004; gnomAD exomes 0.00004; ESP Exome Variant Server 0.00008.
gnomAD v4.1: 68 of 1,613,836 alleles (0.0042%); highest among the groups gnomAD compares: Non-Finnish European, 0.005%; no homozygotes.

Submissions (3):

Labcorp Genetics (formerly Invitae), Labcorp
Classification: Benign for Primary ciliary dyskinesia. Last evaluated: 2025-11-18. Review status: criteria provided, single submitter. Criteria: Invitae Variant Classification Sherloc (09022015). Collection method: clinical testing. Allele origin: germline.

PreventionGenetics, part of Exact Sciences
Classification: Likely benign for DNAH11-related condition. Last evaluated: 2025-03-18. Review status: criteria provided, single submitter. Criteria: ACMG Guidelines, 2015. Collection method: clinical testing. Allele origin: germline.
Comment: This variant is classified as likely benign based on ACMG/AMP sequence variant interpretation guidelines (Richards et al. 2015 PMID: 25741868, with internal and published modifications).

CeGaT Center for Human Genetics Tuebingen
Classification: Likely benign. Last evaluated: 2024-05-01. Review status: criteria provided, single submitter. Criteria: CeGaT Center For Human Genetics Tuebingen Variant Classification Criteria Version 2. Collection method: clinical testing. Allele origin: germline. Affected: yes. Observed: 1 variant allele.
Comment: DNAH11: BP4, BP7